The following is an entry in ClinVar:

ClinVar aggregate classification (germline): Uncertain significance (1 of 4 stars; one submission).

Allele frequency attached by ClinVar (database versions not stated): gnomAD exomes 0.00001.

Submission:

GeneDx
Classification: Uncertain significance. Last evaluated: 2022-07-15. Review status: criteria provided, single submitter. Criteria: GeneDx Variant Classification Process June 2021. Collection method: clinical testing. Allele origin: germline. Affected: yes.
Comment: Not observed at significant frequency in large population cohorts (gnomAD); In silico analysis supports that this missense variant has a deleterious effect on protein structure/function; Has not been previously published as pathogenic or benign to our knowledge

NM_016360.4(TACO1):c.353C>T (p.Pro118Leu)

Gene: TACO1 (translational activator of cytochrome c oxidase I; plus strand). Cytogenetic location: 17q23.3.
Variant type: single nucleotide variant.
Coding change: c.353C>T on transcript NM_016360.4 (MANE Select); coding-DNA position 353, C replaced by T.
Protein change: p.Pro118Leu; replaces proline 118 with leucine.
Molecular consequence: missense variant.
Genome position (GRCh38, 1-based): chr17:63,604,606, C>T. VCF-style: chr17-63604606-C-T. GRCh37 (hg19) VCF-style: chr17-61681966-C-T.
Other names: short protein forms P118L.
Identifiers: ClinVar variation 1878781 (VCV001878781.1), dbSNP rs2033848868, ClinGen allele CA400551087.